The following is an entry in ClinVar:

NM_015466.4(PTPN23):c.4796G>A (p.Arg1599Gln)

Gene: PTPN23 (protein tyrosine phosphatase non-receptor type 23; plus strand). Cytogenetic location: 3p21.31.
Variant type: single nucleotide variant.
Coding change: c.4796G>A on transcript NM_015466.4 (MANE Select); coding-DNA position 4796, G replaced by A.
Protein change: p.Arg1599Gln; replaces arginine 1599 with glutamine.
Molecular consequence: missense variant.
Genome position (GRCh38, 1-based): chr3:47,413,070, G>A. VCF-style: chr3-47413070-G-A. GRCh37 (hg19) VCF-style: chr3-47454560-G-A.
Other names: c.4418G>A, p.Arg1473Gln (NM_001304482.2); short protein forms R1599Q, R1473Q.
Identifiers: ClinVar variation 1991642 (VCV001991642.2), dbSNP rs148181021, ClinGen allele CA2366710.

ClinVar aggregate classification (germline): Uncertain significance. Review status: criteria provided, multiple submitters, no conflicts (2 of 4 stars). 2 submissions from 2 submitters: Uncertain significance (2). Last evaluated 2024-03-04.

Allele frequency attached by ClinVar (database versions not stated): ExAC 0.00001; gnomAD exomes 0.00002; TOPMed 0.00002; gnomAD 0.00003; ESP Exome Variant Server 0.00008.

Submissions (2):

Blueprint Genetics
Classification: Uncertain significance. Last evaluated: 2024-03-04. Review status: criteria provided, single submitter. Criteria: ACMG Guidelines, 2015. Collection method: clinical testing. Allele origin: germline.

Labcorp Genetics (formerly Invitae), Labcorp
Classification: Uncertain significance. Last evaluated: 2022-08-03. Review status: criteria provided, single submitter. Criteria: Invitae Variant Classification Sherloc (09022015). Collection method: clinical testing. Allele origin: germline.
Comment: This sequence change replaces arginine, which is basic and polar, with glutamine, which is neutral and polar, at codon 1599 of the PTPN23 protein (p.Arg1599Gln). This variant is present in population databases (rs148181021, gnomAD 0.005%). This variant has not been reported in the literature in individuals affected with PTPN23-related conditions. Algorithms developed to predict the effect of missense changes on protein structure and function are either unavailable or do not agree on the potential impact of this missense change (SIFT: "Deleterious"; PolyPhen-2: "Not Available"; Align-GVGD: "Class C0"). In summary, the available evidence is currently insufficient to determine the role of this variant in disease. Therefore, it has been classified as a Variant of Uncertain Significance.